The following is an entry in ClinVar:

ClinVar aggregate classification (germline): Likely benign. Review status: criteria provided, multiple submitters, no conflicts (2 of 4 stars). 2 submissions from 2 submitters: Likely benign (2). Last evaluated 2026-02-02.

Conditions:
Sulfite oxidase deficiency due to molybdenum cofactor deficiency type A. Also called: Molybdenum cofactor deficiency, complementation group A; Molybdenum Cofactor Deficiency A. Identifiers: Orphanet 308386, Orphanet 833, MedGen C1854988, MONDO:0009643, OMIM 252150.

gnomAD v4.1: 37 of 1,613,470 alleles (0.0023%); highest among the groups gnomAD compares: African/African-American, 0.0027%; no homozygotes.

Submissions (2):

Labcorp Genetics (formerly Invitae), Labcorp
Classification: Likely benign for Sulfite oxidase deficiency due to molybdenum cofactor deficiency type A. Last evaluated: 2026-02-02. Review status: criteria provided, single submitter. Criteria: Invitae Variant Classification Sherloc (09022015). Collection method: clinical testing. Allele origin: germline.

CeGaT Center for Human Genetics Tuebingen
Classification: Likely benign. Last evaluated: 2023-12-01. Review status: criteria provided, single submitter. Criteria: CeGaT Center For Human Genetics Tuebingen Variant Classification Criteria Version 2. Collection method: clinical testing. Allele origin: germline. Affected: yes. Observed: 1 variant allele.
Comment: MOCS1: BP4, BP7

NM_001358530.2(MOCS1):c.1212G>A (p.Pro404=)

Gene: MOCS1 (molybdenum cofactor synthesis 1; minus strand). Cytogenetic location: 6p21.2.
Variant type: single nucleotide variant.
Coding change: c.1212G>A on transcript NM_001358530.2 (MANE Select); coding-DNA position 1212, G replaced by A.
Protein change: p.Pro404=; no amino-acid change (proline 404 retained).
Molecular consequence: synonymous variant. On other transcripts: 3 prime UTR variant (4), non-coding transcript variant (1).
Genome position (GRCh38, 1-based): chr6:39,907,056, C>T on the plus strand (G>A on the coding strand, the complement: MOCS1 is on the minus strand). VCF-style: chr6-39907056-C-T. GRCh37 (hg19) VCF-style: chr6-39874832-C-T.
Other names: c.*69G>A (NM_001075098.4, NM_001358533.2, NM_001358534.2 and 1 more transcripts); c.1164G>A, p.Pro388= (NM_001358529.2); c.951G>A, p.Pro317= (NM_001358531.2).
Identifiers: ClinVar variation 1610974 (VCV001610974.30), dbSNP rs11969233, ClinGen allele CA3795983.
Genomic context (GRCh38, chr6:39,907,056, plus strand): 5'-CCATAAAGTGGCCACCTGGCTGGAGAAACTCATTCTGGGTCTTAGACCCTGAACATGGAG[C>T]GGGTCCCAGGAGAAAATGCTTGGATTGGCTGGTGGGGAATTGGGGAACATCAAAAATAAC-3'
Protein context (NP_001345459.1, residues 394-414): PANPSIFSWD[Pro404=]LHVQGLRPRM